The following is an entry in ClinVar:

NM_213599.3(ANO5):c.415G>T (p.Val139Leu)

Gene: ANO5 (anoctamin 5; plus strand). Cytogenetic location: 11p14.3.
Variant type: single nucleotide variant.
Coding change: c.415G>T on transcript NM_213599.3 (MANE Select); coding-DNA position 415, G replaced by T.
Protein change: p.Val139Leu; replaces valine 139 with leucine.
Molecular consequence: missense variant.
Genome position (GRCh38, 1-based): chr11:22,227,353, G>T. VCF-style: chr11-22227353-G-T. GRCh37 (hg19) VCF-style: chr11-22248899-G-T.
Other names: c.412G>T, p.Val138Leu (NM_001142649.2); c.415G>T (NM_213599.2); short protein forms V139L, V138L.
Identifiers: ClinVar variation 502543 (VCV000502543.9), dbSNP rs753871250, ClinGen allele CA5922925.

ClinVar aggregate classification (germline): Uncertain significance. Review status: criteria provided, multiple submitters, no conflicts (2 of 4 stars). 3 submissions from 3 submitters: Uncertain significance (3). Last evaluated 2025-10-03.

Conditions:
Gnathodiaphyseal dysplasia (GDD). Also called: GNATHODIAPHYSEAL SCLEROSIS; OSTEOGENESIS IMPERFECTA WITH UNUSUAL SKELETAL LESIONS. Identifiers: Orphanet 53697, MedGen C1833736, MONDO:0008151, OMIM 166260.
Autosomal recessive limb-girdle muscular dystrophy type 2L (LGMDR12). Also called: MUSCULAR DYSTROPHY, LIMB-GIRDLE, AUTOSOMAL RECESSIVE 12; Limb-Girdle Muscular Dystrophy R12 Anoctamin-5-Related (LGMD-R12); Limb-girdle muscular dystrophy, type 2L. Identifiers: Orphanet 206549, MedGen C1969785, MONDO:0012652, OMIM 611307.
Inborn genetic diseases. Identifiers: MedGen C0950123, MeSH D030342.

Allele frequency attached by ClinVar (database versions not stated): TOPMed below 0.00001; ExAC 0.00001; gnomAD 0.00001 and 0.00003; gnomAD exomes 0.00001.
gnomAD v4.1: 19 of 1,613,248 alleles (0.0012%); highest among the groups gnomAD compares: South Asian, 0.019%; no homozygotes.

Submissions (3):

Ambry Genetics
Classification: Uncertain significance for Inborn genetic diseases. Last evaluated: 2025-10-03. Review status: criteria provided, single submitter. Criteria: Ambry Variant Classification Scheme 2023. Collection method: clinical testing. Allele origin: germline.

Labcorp Genetics (formerly Invitae), Labcorp
Classification: Uncertain significance for Autosomal recessive limb-girdle muscular dystrophy type 2L; Gnathodiaphyseal dysplasia. Last evaluated: 2023-09-10. Review status: criteria provided, single submitter. Criteria: Invitae Variant Classification Sherloc (09022015). Collection method: clinical testing. Allele origin: germline.
Comment: In summary, the available evidence is currently insufficient to determine the role of this variant in disease. Therefore, it has been classified as a Variant of Uncertain Significance. Advanced modeling of protein sequence and biophysical properties (such as structural, functional, and spatial information, amino acid conservation, physicochemical variation, residue mobility, and thermodynamic stability) has been performed at Invitae for this missense variant, however the output from this modeling did not meet the statistical confidence thresholds required to predict the impact of this variant on ANO5 protein function. ClinVar contains an entry for this variant (Variation ID: 502543). This variant has not been reported in the literature in individuals affected with ANO5-related conditions. This variant is present in population databases (rs753871250, gnomAD 0.01%). This sequence change replaces valine, which is neutral and non-polar, with leucine, which is neutral and non-polar, at codon 139 of the ANO5 protein (p.Val139Leu).

Eurofins Ntd Llc (ga)
Classification: Uncertain significance. Last evaluated: 2017-06-13. Review status: criteria provided, single submitter. Criteria: EGL Classification Definitions 2015. Collection method: clinical testing. Allele origin: germline. Observed: 1 variant allele, 1 heterozygote.